The following is an entry in ClinVar:

ClinVar aggregate classification (germline): Uncertain significance. Review status: criteria provided, multiple submitters, no conflicts (2 of 4 stars). 2 submissions from 2 submitters: Uncertain significance (2). Last evaluated 2025-07-09.

Conditions:
Hereditary cancer-predisposing syndrome. Also called: Tumor predisposition; Hereditary neoplastic syndrome; Neoplastic Syndromes, Hereditary; Hereditary Cancer Syndrome. Identifiers: Orphanet 140162, MedGen C0027672, MeSH D009386, MONDO:0015356.

Submissions (2):

Ambry Genetics
Classification: Uncertain significance for Hereditary cancer-predisposing syndrome. Last evaluated: 2025-07-09. Review status: criteria provided, single submitter. Criteria: Ambry Variant Classification Scheme 2023. Collection method: clinical testing. Allele origin: germline.
Comment: The p.L404F variant (also known as c.1212G>C), located in coding exon 8 of the CTNNA1 gene, results from a G to C substitution at nucleotide position 1212. The leucine at codon 404 is replaced by phenylalanine, an amino acid with highly similar properties. In one study, this alteration was identified in 1/151,425 individuals who underwent multi-gene germline genetic testing and classified as a variant of uncertain significance by the authors (Clark DF et al. Genet Med, 2020 May;22:840-846). This amino acid position is highly conserved in available vertebrate species. In addition, this alteration is predicted to be deleterious by in silico analysis. Based on the available evidence, the clinical significance of this variant remains unclear.

Labcorp Genetics (formerly Invitae), Labcorp
Classification: Uncertain significance. Last evaluated: 2023-11-15. Review status: criteria provided, single submitter. Criteria: Invitae Variant Classification Sherloc (09022015). Collection method: clinical testing. Allele origin: germline.
Comment: This sequence change replaces leucine, which is neutral and non-polar, with phenylalanine, which is neutral and non-polar, at codon 404 of the CTNNA1 protein (p.Leu404Phe). This variant is not present in population databases (gnomAD no frequency). This variant has not been reported in the literature in individuals affected with CTNNA1-related conditions. ClinVar contains an entry for this variant (Variation ID: 666100). Advanced modeling of protein sequence and biophysical properties (such as structural, functional, and spatial information, amino acid conservation, physicochemical variation, residue mobility, and thermodynamic stability) performed at Invitae indicates that this missense variant is not expected to disrupt CTNNA1 protein function with a negative predictive value of 80%. In summary, the available evidence is currently insufficient to determine the role of this variant in disease. Therefore, it has been classified as a Variant of Uncertain Significance.

Literature cited by the submitters: PubMed 32051609 (cited by Ambry Genetics).

NM_001903.5(CTNNA1):c.1212G>C (p.Leu404Phe)

Gene: CTNNA1 (catenin alpha 1; plus strand). Cytogenetic location: 5q31.2.
Variant type: single nucleotide variant.
Coding change: c.1212G>C on transcript NM_001903.5 (MANE Select); coding-DNA position 1212, G replaced by C.
Protein change: p.Leu404Phe; replaces leucine 404 with phenylalanine.
Molecular consequence: missense variant. On other transcripts: 5 prime UTR variant (5), intron variant (2).
Genome position (GRCh38, 1-based): chr5:138,887,558, G>C. VCF-style: chr5-138887558-G-C. GRCh37 (hg19) VCF-style: chr5-138223247-G-C.
Other names: c.1212G>C, p.Leu404Phe (NM_001290307.3, NM_001323982.2, NM_001323983.1 and 3 more transcripts); c.903G>C, p.Leu301Phe (NM_001290309.3); c.843G>C, p.Leu281Phe (NM_001290310.3); c.102G>C, p.Leu34Phe (NM_001290312.1, NM_001323987.1, NM_001323988.1 and 18 more transcripts); c.-296G>C (NM_001324006.1, NM_001324007.1, NM_001324008.1 and 1 more transcripts); c.-171G>C (NM_001324013.1); c.-58+11961G>C (NM_001324012.1); c.-61+11961G>C (NM_001324010.1); short protein forms L34F, L301F, L281F, L404F.
Identifiers: ClinVar variation 666100 (VCV000666100.12), dbSNP rs1257372712, ClinGen allele CA361133080.